The following is an entry in ClinVar:

NM_025207.5(FLAD1):c.1711C>T (p.Arg571Cys)

Gene: FLAD1 (flavin adenine dinucleotide synthetase 1; plus strand). Cytogenetic location: 1q21.3.
Variant type: single nucleotide variant.
Coding change: c.1711C>T on transcript NM_025207.5 (MANE Select); coding-DNA position 1711, C replaced by T.
Protein change: p.Arg571Cys; replaces arginine 571 with cysteine.
Molecular consequence: missense variant. On other transcripts: 3 prime UTR variant (1).
Genome position (GRCh38, 1-based): chr1:154,992,984, C>T. VCF-style: chr1-154992984-C-T. GRCh37 (hg19) VCF-style: chr1-154965460-C-T.
Other names: c.*194C>T (NM_001184891.2); c.1420C>T, p.Arg474Cys (NM_201398.3); short protein forms R474C, R571C.
Identifiers: ClinVar variation 1722461 (VCV001722461.1), dbSNP rs1227175942, ClinGen allele CA342641554.

ClinVar aggregate classification (germline): Uncertain significance (1 of 4 stars; one submission).

Allele frequency attached by ClinVar (database versions not stated): gnomAD 0.00001; TOPMed 0.00001.
gnomAD v4.1: 9 of 1,613,946 alleles (0.00056%); highest among the groups gnomAD compares: Middle Eastern, 0.016%; no homozygotes.

Submission:

Women's Health and Genetics/Laboratory Corporation of America, LabCorp
Classification: Uncertain significance. Last evaluated: 2022-09-23. Review status: criteria provided, single submitter. Criteria: LabCorp Variant Classification Summary - May 2015. Collection method: clinical testing. Allele origin: germline.
Comment: Variant summary: FLAD1 c.1711C>T (p.Arg571Cys) results in a non-conservative amino acid change in the encoded protein sequence. Three of four in-silico tools predict a damaging effect of the variant on protein function. The variant allele was found at a frequency of 4e-06 in 251324 control chromosomes (gnomAD). The available data on variant occurrences in the general population are insufficient to allow any conclusion about variant significance. To our knowledge, no occurrence of c.1711C>T in individuals affected with Myopathy With Abnormal Lipid Metabolism and no experimental evidence demonstrating its impact on protein function have been reported. No clinical diagnostic laboratories have submitted clinical-significance assessments for this variant to ClinVar after 2014. Based on the evidence outlined above, the variant was classified as uncertain significance.